The following is an entry in ClinVar:

ClinVar aggregate classification (germline): Benign/Likely benign. Review status: criteria provided, multiple submitters, no conflicts (2 of 4 stars). 2 submissions from 2 submitters: Benign (1); Likely benign (1). Last evaluated 2025-05-22.

Allele frequency attached by ClinVar (database versions not stated): TOPMed 0.00529; ESP Exome Variant Server 0.00707; 1000 Genomes Project 0.00120; gnomAD 0.00523 and 0.00546; gnomAD exomes 0.00533 and 0.00920; ExAC 0.00576; 1000 Genomes Project 30x 0.00125.
gnomAD v4.1: 14,081 of 1,610,000 alleles (0.87%); highest among the groups gnomAD compares: Non-Finnish European, 1.1%; 81 homozygotes.

Submissions (2):

Mayo Clinic Laboratories, Mayo Clinic
Classification: Benign. Last evaluated: 2025-05-22. Review status: criteria provided, single submitter. Criteria: ACMG Guidelines, 2015. Collection method: clinical testing. Allele origin: germline. Observed: 6 variant alleles.
Comment: BA1, BP4, BP7

GeneDx
Classification: Likely benign. Last evaluated: 2018-07-27. Review status: criteria provided, single submitter. Criteria: GeneDx Variant Classification Process June 2021. Collection method: clinical testing. Allele origin: germline. Affected: yes.

NM_080916.3(DGUOK):c.256-30A>G

Gene: DGUOK (deoxyguanosine kinase; plus strand). Cytogenetic location: 2p13.1.
Variant type: single nucleotide variant.
Coding change: c.256-30A>G on transcript NM_080916.3 (MANE Select); 30 bases into the intron before coding-DNA position 256, A replaced by G.
Molecular consequence: intron variant.
Genome position (GRCh38, 1-based): chr2:73,946,689, A>G. VCF-style: chr2-73946689-A-G. GRCh37 (hg19) VCF-style: chr2-74173816-A-G.
Other names: p.?; c.-36-30A>G (NM_001318861.2, NM_001318862.2, NM_001318860.2 and 1 more transcripts); c.256-30A>G (NM_080918.3, NM_001318859.2).
Identifiers: ClinVar variation 1201432 (VCV001201432.4), dbSNP rs191541507, ClinGen allele CA1718211.